The following is an entry in ClinVar:

ClinVar aggregate classification (germline): Pathogenic/Likely pathogenic. Review status: criteria provided, multiple submitters, no conflicts (2 of 4 stars). 2 submissions from 2 submitters: Pathogenic (1); Likely pathogenic (1). Last evaluated 2025-05-04.

Conditions:
Neuromuscular disease. Also called: Neuromyopathy; Neuromuscular disorder. Identifiers: Orphanet 68381, MedGen C0027868, MeSH D009468, MONDO:0019056.
X-linked Emery-Dreifuss muscular dystrophy. Also called: Muscular dystrophy, tardive Emery-Dreifuss type, with contractures. Identifiers: Orphanet 261, Orphanet 98863, MedGen C0751337, MONDO:0010680.

Submissions (2):

Labcorp Genetics (formerly Invitae), Labcorp
Classification: Pathogenic for X-linked Emery-Dreifuss muscular dystrophy. Last evaluated: 2025-05-04. Review status: criteria provided, single submitter. Criteria: Invitae Variant Classification Sherloc (09022015). Collection method: clinical testing. Allele origin: germline.
Comment: This sequence change affects an acceptor splice site in intron 1 of the EMD gene. It is expected to disrupt RNA splicing. Variants that disrupt the donor or acceptor splice site typically lead to a loss of protein function (PMID: 16199547), and loss-of-function variants in EMD are known to be pathogenic (PMID: 24365856). This variant is not present in population databases (gnomAD no frequency). Disruption of this splice site has been observed in individuals with Emery-Dreifuss muscular dystrophy (PMID: 8595407, 18646565). ClinVar contains an entry for this variant (Variation ID: 179496). Algorithms developed to predict the effect of sequence changes on RNA splicing suggest that this variant may disrupt the consensus splice site. For these reasons, this variant has been classified as Pathogenic.

Laboratory for Molecular Medicine, Mass General Brigham Personalized Medicine
Classification: Likely pathogenic for Neuromuscular disease. Last evaluated: 2014-02-17. Review status: criteria provided, single submitter. Criteria: LMM Criteria. Collection method: clinical testing. Allele origin: germline. Inheritance: X-linked inheritance. Observed: 1 variant allele.
Comment: The 83-2A>G variant in EMD has been reported in 1 individual with X-linked Emery -Dreifuss muscular dystrophy (Astejada 2007), and was not identified in large po pulation studies. A different variant at this same position (83-2A>C) was report ed in 1 individual with Emery-Dreifuss muscular dystrophy, suggesting that a cha nge at this position might not be tolerated (Bione 1995). This variant occurs in the invariant region (+/- 1,2) of the splice consensus sequence and is predicte d to cause altered splicing leading to an abnormal or absent protein. In summary , this variant is likely to be pathogenic, though additional studies are require d to fully establish its clinical significance.

Literature cited by the submitters: PubMed 16199547 (cited by Labcorp Genetics (formerly Invitae), Labcorp); PubMed 24365856 (cited by Labcorp Genetics (formerly Invitae), Labcorp); PubMed 8595407 (cited by Labcorp Genetics (formerly Invitae), Labcorp and Laboratory for Molecular Medicine, Mass General Brigham Personalized Medicine); PubMed 18646565 (cited by Labcorp Genetics (formerly Invitae), Labcorp and Laboratory for Molecular Medicine, Mass General Brigham Personalized Medicine).

NM_000117.3(EMD):c.83-2A>G

Gene: EMD (emerin; plus strand). Cytogenetic location: Xq28.
Variant type: single nucleotide variant.
Coding change: c.83-2A>G on transcript NM_000117.3 (MANE Select); the canonical splice acceptor site of the intron before coding-DNA position 83, A replaced by G.
Molecular consequence: splice acceptor variant.
Genome position (GRCh38, 1-based): chrX:154,379,688, A>G. VCF-style: chrX-154379688-A-G. GRCh37 (hg19) VCF-style: chrX-153608048-A-G.
Identifiers: ClinVar variation 179496 (VCV000179496.5), dbSNP rs727504901, ClinGen allele CA273634.